The following is an entry in ClinVar:

ClinVar aggregate classification (germline): Likely pathogenic (1 of 4 stars; one submission).

Submission:

GeneDx
Classification: Likely pathogenic. Last evaluated: 2026-03-23. Review status: criteria provided, single submitter. Criteria: GeneDx Variant Classification Process June 2021. Collection method: clinical testing. Allele origin: germline.
Comment: Frameshift variant predicted to result in abnormal protein length as the last 263 amino acids are replaced with 34 different amino acids, and other similar variants have been reported in HGMD; Not observed at significant frequency in large population cohorts (gnomAD); Has not been previously published as pathogenic or benign to our knowledge

NM_032436.4(CHAMP1):c.1648del (p.Leu550fs)

Gene: CHAMP1 (chromosome alignment maintaining phosphoprotein 1; plus strand). Cytogenetic location: 13q34.
Variant type: Deletion.
Coding change: c.1648del on transcript NM_032436.4 (MANE Select); coding-DNA position 1648, one base deleted (C; older notation c.1648delC).
Protein change: p.Leu550fs; shifts the reading frame from leucine 550.
Molecular consequence: frameshift variant.
Genome position (GRCh38, 1-based): chr13:114,325,490, C deleted; the last of 3 consecutive C bases (chr13:114,325,488-114,325,490); deleting any one gives the same sequence. VCF-style (leftmost placement, unchanged base first): chr13-114325487-GC-G. GRCh37 (hg19) VCF-style: chr13-115090962-GC-G.
Other names: c.1648del, p.Leu550fs (NM_001164144.3, NM_001164145.3); short protein forms L550fs.
Identifiers: ClinVar variation 5016817 (VCV005016817.1).